The following is an entry in ClinVar:

ClinVar aggregate classification (germline): Uncertain significance (1 of 4 stars; one submission).

Submission:

Ambry Genetics
Classification: Uncertain significance. Last evaluated: 2025-10-12. Review status: criteria provided, single submitter. Criteria: Ambry Variant Classification Scheme 2023. Collection method: clinical testing. Allele origin: germline.
Comment: The p.P107A variant (also known as c.319C>G), located in coding exon 2 of the ATRIP gene, results from a C to G substitution at nucleotide position 319. The proline at codon 107 is replaced by alanine, an amino acid with highly similar properties. This amino acid position is conserved. In addition, this alteration is predicted to be tolerated by in silico analysis. Based on the available evidence, the clinical significance of this variant remains unclear.

NM_130384.3(ATRIP):c.319C>G (p.Pro107Ala)

Genes: ATRIP (ATR interacting protein; plus strand), ATRIP-TREX1 (ATRIP-TREX1 readthrough; plus strand). Cytogenetic location: 3p21.31.
Variant type: single nucleotide variant.
Coding change: c.319C>G on transcript NM_130384.3 (MANE Select); coding-DNA position 319, C replaced by G.
Protein change: p.Pro107Ala; replaces proline 107 with alanine.
Molecular consequence: missense variant. On other transcripts: non-coding transcript variant (1), 5 prime UTR variant (1).
Genome position (GRCh38, 1-based): chr3:48,450,108, C>G. VCF-style: chr3-48450108-C-G. GRCh37 (hg19) VCF-style: chr3-48491514-C-G.
Other names: c.-146C>G (NM_001271022.2); c.40C>G, p.Pro14Ala (NM_001271023.2); c.319C>G, p.Pro107Ala (NM_032166.4); short protein forms P107A, P14A.
Identifiers: ClinVar variation 4644539 (VCV004644539.1).
Genomic context (GRCh38, chr3:48,450,108, plus strand): 5'-GTCCACAGATTATTAGATGGCATGTCAAAAAATCCTTCAGGGAAAAACAGAGAAACTGTT[C>G]CAATTAAAGATAATTTCGAATTAGAGGTACTTCAGGCACAATACAAAGAACTTAAAGAAA-3'
Protein context (NP_569055.1, residues 97-117): NPSGKNRETV[Pro107Ala]IKDNFELEVL